The following is an entry in ClinVar:

ClinVar aggregate classification (germline): Uncertain significance (1 of 4 stars; one submission).

Conditions:
TBX3-related disorder. Also called: TBX3-related condition.

gnomAD v4.1: 30 of 1,614,052 alleles (0.0019%); highest among the groups gnomAD compares: Non-Finnish European, 0.0025%; no homozygotes.

Submission:

PreventionGenetics, part of Exact Sciences
Classification: Uncertain significance for TBX3-related condition. Last evaluated: 2025-03-05. Review status: criteria provided, single submitter. Criteria: ACMG Guidelines, 2015. Collection method: clinical testing. Allele origin: germline.
Comment: The TBX3 c.544A>G variant is predicted to result in the amino acid substitution p.Lys182Glu. To our knowledge, this variant has not been reported in the literature. This variant is reported in 0.0065% of alleles in individuals of European (Non-Finnish) descent in gnomAD. At this time, the clinical significance of this variant is uncertain due to the absence of conclusive functional and genetic evidence.

NM_005996.4(TBX3):c.544A>G (p.Lys182Glu)

Gene: TBX3 (T-box transcription factor 3; minus strand). Cytogenetic location: 12q24.21.
Variant type: single nucleotide variant.
Coding change: c.544A>G on transcript NM_005996.4 (MANE Select); coding-DNA position 544, A replaced by G.
Protein change: p.Lys182Glu; replaces lysine 182 with glutamic acid.
Molecular consequence: missense variant.
Genome position (GRCh38, 1-based): chr12:114,680,992, T>C on the plus strand (A>G on the coding strand, the complement: TBX3 is on the minus strand). VCF-style: chr12-114680992-T-C. GRCh37 (hg19) VCF-style: chr12-115118797-T-C.
Other names: c.544A>G, p.Lys182Glu (NM_016569.4); short protein forms K182E.
Identifiers: ClinVar variation 5002249 (VCV005002249.1).